The following is an entry in ClinVar:

ClinVar aggregate classification (germline): Pathogenic (1 of 4 stars; one submission).

Conditions:
Ataxia-telangiectasia syndrome (AT). Also called: Cerebello-oculocutaneous telangiectasia; Immunodeficiency with ataxia telangiectasia; Ataxia-telangiectasia, complementation group E; LOUIS-BAR SYNDROME; Ataxia telangiectasia (A-T); AT, COMPLEMENTATION GROUP C. Identifiers: Orphanet 100, MedGen C0004135, MONDO:0008840, OMIM 208900.

Submission:

Labcorp Genetics (formerly Invitae), Labcorp
Classification: Pathogenic for Ataxia-telangiectasia syndrome. Last evaluated: 2023-12-08. Review status: criteria provided, single submitter. Criteria: Invitae Variant Classification Sherloc (09022015). Collection method: clinical testing. Allele origin: germline.
Comment: This sequence change creates a premature translational stop signal (p.Glu281Ilefs*22) in the ATM gene. It is expected to result in an absent or disrupted protein product. Loss-of-function variants in ATM are known to be pathogenic (PMID: 23807571, 25614872). This variant is not present in population databases (gnomAD no frequency). This variant has not been reported in the literature in individuals affected with ATM-related conditions. For these reasons, this variant has been classified as Pathogenic.

Literature cited by the submitters: PubMed 23807571; PubMed 25614872.

NM_000051.4(ATM):c.841_845del (p.Glu281fs)

Gene: ATM (ATM serine/threonine kinase; plus strand). Cytogenetic location: 11q22.3.
Variant type: Deletion.
Coding change: c.841_845del on transcript NM_000051.4 (MANE Select); coding-DNA positions 841 to 845, 5 bases deleted (GAATT; older notation c.841_845delGAATT).
Protein change: p.Glu281fs; shifts the reading frame from glutamic acid 281.
Molecular consequence: frameshift variant.
Genome position (GRCh38, 1-based): chr11:108,244,966-108,244,970, GAATT deleted; deleting any 5 consecutive bases within chr11:108,244,963-108,244,970 gives the same sequence; the c. name uses the placement nearest the transcript's 3' end. VCF-style (leftmost placement, unchanged base first): chr11-108244962-TATTGA-T. GRCh37 (hg19) VCF-style: chr11-108115689-TATTGA-T.
Other names: c.841_845del, p.Glu281fs (NM_001351834.2); short protein forms E281fs.
Identifiers: ClinVar variation 2701412 (VCV002701412.3), dbSNP rs2497153206, ClinGen allele CA2697548995.
Genomic context (GRCh38, chr11:108,244,962, plus strand): 5'-TCCCACTTTGCTTTATATTTGGACTCAACATAGGCTTAATGATTCTTTAAAAGAAGTCAT[TATTGA>T]ATTATTTCAACTGCAAATTTATATCCATCATCCGAAAGGAGCCAAAACCCAAGAAAAAGG-3'